The following is an entry in ClinVar:

NM_018699.4(PRDM5):c.901A>C (p.Asn301His)

Gene: PRDM5 (PR/SET domain 5; minus strand). Cytogenetic location: 4q27.
Variant type: single nucleotide variant.
Coding change: c.901A>C on transcript NM_018699.4 (MANE Select); coding-DNA position 901, A replaced by C.
Protein change: p.Asn301His; replaces asparagine 301 with histidine.
Molecular consequence: missense variant.
Genome position (GRCh38, 1-based): chr4:120,811,414, T>G on the plus strand (A>C on the coding strand, the complement: PRDM5 is on the minus strand). VCF-style: chr4-120811414-T-G. GRCh37 (hg19) VCF-style: chr4-121732569-T-G.
Other names: c.808A>C, p.Asn270His (NM_001300823.2, NM_001300824.2, NM_001379106.1); c.901A>C, p.Asn301His (NM_001379104.1); short protein forms N270H, N301H.
Identifiers: ClinVar variation 3424734 (VCV003424734.1).

ClinVar aggregate classification (germline): Uncertain significance (1 of 4 stars; one submission).

Conditions:
Cardiovascular phenotype. Identifiers: MedGen CN230736.

gnomAD v4.1: 2 of 1,603,432 alleles (0.00012%); highest among the groups gnomAD compares: Non-Finnish European, 0.00017%; no homozygotes.

Submission:

Ambry Genetics
Classification: Uncertain significance for Cardiovascular phenotype. Last evaluated: 2024-11-17. Review status: criteria provided, single submitter. Criteria: Ambry Variant Classification Scheme 2023. Collection method: clinical testing. Allele origin: germline.
Comment: The p.N301H variant (also known as c.901A>C), located in coding exon 8 of the PRDM5 gene, results from an A to C substitution at nucleotide position 901. The asparagine at codon 301 is replaced by histidine, an amino acid with similar properties. This amino acid position is conserved. In addition, this alteration is predicted to be tolerated by in silico analysis. Based on the available evidence, the clinical significance of this variant remains unclear.